The following is an entry in ClinVar:

ClinVar aggregate classification (germline): Benign/Likely benign. Review status: criteria provided, multiple submitters, no conflicts (2 of 4 stars). 5 submissions from 5 submitters: Benign (4); Likely benign (1). Last evaluated 2026-02-04.

Conditions:
Aortic aneurysm, familial thoracic 7 (AAT7). Also called: AORTIC DISSECTION, FAMILIAL, WITH OR WITHOUT AORTIC ANEURYSM. Identifiers: MedGen C3151077, MONDO:0013418, OMIM 613780.
Connective tissue disorder. Also called: Connective tissue disease. Identifiers: MedGen C0009782, MONDO:0003900.

Allele frequency attached by ClinVar (database versions not stated): 1000 Genomes Project 0.00280; 1000 Genomes Project 30x 0.00359; TOPMed 0.00469; gnomAD exomes 0.00511 and 0.00670; ExAC 0.00514; gnomAD 0.00539 and 0.00551; ESP Exome Variant Server 0.00639.

Submissions (5):

Labcorp Genetics (formerly Invitae), Labcorp
Classification: Benign for Aortic aneurysm, familial thoracic 7. Last evaluated: 2026-02-04. Review status: criteria provided, single submitter. Criteria: Invitae Variant Classification Sherloc (09022015). Collection method: clinical testing. Allele origin: germline.

ARUP Laboratories, Molecular Genetics and Genomics, ARUP Laboratories
Classification: Benign. Last evaluated: 2025-07-15. Review status: criteria provided, single submitter. Criteria: ARUP Molecular Germline Variant Investigation Process 2024. Collection method: clinical testing. Allele origin: germline.

Women's Health and Genetics/Laboratory Corporation of America, LabCorp
Classification: Benign. Last evaluated: 2021-02-22. Review status: criteria provided, single submitter. Criteria: LabCorp Variant Classification Summary - May 2015. Collection method: clinical testing. Allele origin: germline.
Comment: Variant summary: MYLK c.5368+13_5368+21delTTCTCCAGC alters a nucleotide located close to a canonical splice site and therefore could affect mRNA splicing, leading to a significantly altered protein sequence. 4/4 computational tools predict no significant impact on normal splicing. However, these predictions have yet to be confirmed by functional studies. The variant allele was found at a frequency of 0.0051 in 251332 control chromosomes in the gnomAD database, including 8 homozygotes. The observed variant frequency is approximately 102-fold of the estimated maximal expected allele frequency for a pathogenic variant in MYLK causing Thoracic Aortic Aneurysms And Dissections phenotype (5e-05), strongly suggesting that the variant is benign. To our knowledge, no occurrence of c.5368+13_5368+21delTTCTCCAGC in individuals affected with Thoracic Aortic Aneurysms And Dissections and no experimental evidence demonstrating its impact on protein function have been reported. Three ClinVar submitters (evaluation after 2014) cite the variant as benign/likely benign. Based on the evidence outlined above, the variant was classified as benign.

GeneDx
Classification: Benign. Last evaluated: 2017-11-27. Review status: criteria provided, single submitter. Criteria: GeneDx Variant Classification (06012015). Collection method: clinical testing. Allele origin: germline. Affected: yes.
Comment: This variant is considered likely benign or benign based on one or more of the following criteria: it is a conservative change, it occurs at a poorly conserved position in the protein, it is predicted to be benign by multiple in silico algorithms, and/or has population frequency not consistent with disease.

Center for Human Genetics, Inc
Classification: Likely benign for Connective tissue disorder. Last evaluated: 2016-11-01. Review status: criteria provided, single submitter. Criteria: ACMG Guidelines, 2015. Collection method: clinical testing. Allele origin: germline. Affected: yes.

NM_053025.4(MYLK):c.5368+13_5368+21del

Genes: MYLK (myosin light chain kinase; minus strand), MYLK-AS1 (MYLK antisense RNA 1; plus strand). Cytogenetic location: 3q21.1.
Variant type: Deletion.
Coding change: c.5368+13_5368+21del on transcript NM_053025.4 (MANE Select); bases 13 to 21 of the intron after coding-DNA position 5368, 9 bases deleted (TTCTCCAGC; older notation c.5368+13_5368+21delTTCTCCAGC).
Molecular consequence: intron variant.
Genome position (GRCh38, 1-based): chr3:123,620,186-123,620,194, GCTGGAGAA deleted on the plus strand (TTCTCCAGC on the coding strand, the reverse complement: MYLK is on the minus strand). VCF-style (leftmost placement, unchanged base first): chr3-123620185-GGCTGGAGAA-G. GRCh37 (hg19) VCF-style: chr3-123339032-GGCTGGAGAA-G.
Other names: c.88+13_88+21del (NM_053032.4, NM_053031.4); c.5161+13_5161+21del (NM_053026.4); c.5215+13_5215+21del (NM_053027.4); c.4840+13_4840+21del (NM_001321309.2); c.5008+13_5008+21del (NM_053028.4).
Identifiers: ClinVar variation 420653 (VCV000420653.23), dbSNP rs146990616, ClinGen allele CA072820.